The following is an entry in ClinVar:

NM_000275.3(OCA2):c.2245-6C>A

Gene: OCA2 (OCA2 melanosomal transmembrane protein; minus strand). Cytogenetic location: 15q13.1.
Variant type: single nucleotide variant.
Coding change: c.2245-6C>A on transcript NM_000275.3 (MANE Select); 6 bases into the intron before coding-DNA position 2245, C replaced by A.
Molecular consequence: intron variant.
Genome position (GRCh38, 1-based): chr15:27,851,481, G>T on the plus strand (C>A on the coding strand, the complement: OCA2 is on the minus strand). VCF-style: chr15-27851481-G-T. GRCh37 (hg19) VCF-style: chr15-28096627-G-T.
Other names: c.2173-6C>A (NM_001300984.2).
Identifiers: ClinVar variation 668323 (VCV000668323.32), dbSNP rs368772032, ClinGen allele CA7438668.

ClinVar aggregate classification (germline): Conflicting classifications of pathogenicity. Review status: criteria provided, conflicting classifications (1 of 4 stars). 7 submissions from 7 submitters: Uncertain significance (5); Likely benign (2). Last evaluated 2025-01-01.

Conditions:
Tyrosinase-positive oculocutaneous albinism (OCA2). Also called: Oculocutaneous albinism type 2; Albinism, oculocutaneous, type II; ALBINISM II. Identifiers: Orphanet 79432, MedGen C0268495, MONDO:0008746, OMIM 203200.
SKIN/HAIR/EYE PIGMENTATION 1, BLUE/NONBLUE EYES (SHEP1). Also called: SKIN/HAIR/EYE PIGMENTATION 1, BLOND/BROWN HAIR; SKIN/HAIR/EYE PIGMENTATION 1, BLUE/BROWN EYES; BROWN EYE COLOR 2; EYE COLOR 3; EYE COLOR, BLUE/NONBLUE; EYE COLOR, BROWN/BLUE. Identifiers: MedGen C1856895, OMIM 227220.

Allele frequency attached by ClinVar (database versions not stated): TOPMed 0.00013; ESP Exome Variant Server 0.00015; gnomAD 0.00009.
gnomAD v4.1: 244 of 1,611,434 alleles (0.015%); highest among the groups gnomAD compares: Non-Finnish European, 0.02%; no homozygotes.

Submissions (7):

Laboratory of Genetic Epidemiology, Research Centre for Medical Genetics
Classification: Uncertain significance for SKIN/HAIR/EYE PIGMENTATION 1, BLUE/NONBLUE EYES; Tyrosinase-positive oculocutaneous albinism. Last evaluated: 2025-01-01. Review status: criteria provided, single submitter. Criteria: ACMG Guidelines, 2015. Collection method: clinical testing. Allele origin: unknown. Inheritance: Autosomal recessive inheritance. Affected: yes. Observed: 1 heterozygote.
Comment: The variant is listed in gnomAD v3.1.2 with allele frequency 0.0001 (13/68044), none in homozygous state. The variant located in intron 21, probably affects splicicng site (Splice Ai prediction tool predicts acceptor loss with 0.26 score; SPiP predicts affecting splice site with 23.61 % [95% CI: 16.94 % - 31.4 %] risk). This variant has been previously reported in the literature (PMID: 34838614) and is listed in gnomAD v2.1.1 with allele frequency 0.000009 in Europe (1/110038). Taken together, the variant meets the following ACMG/AMP criteria and can be classified as uncertain significance with PM2, PM3, PP4 criteria.

Blueprint Genetics
Classification: Uncertain significance. Last evaluated: 2024-10-03. Review status: criteria provided, single submitter. Criteria: ACMG Guidelines, 2015. Collection method: clinical testing. Allele origin: germline.

CeGaT Center for Human Genetics Tuebingen
Classification: Uncertain significance. Last evaluated: 2024-06-01. Review status: criteria provided, single submitter. Criteria: CeGaT Center For Human Genetics Tuebingen Variant Classification Criteria Version 2. Collection method: clinical testing. Allele origin: germline. Affected: yes. Observed: 1 variant allele.
Comment: OCA2: PM2, PM3:Supporting, BP4

Labcorp Genetics (formerly Invitae), Labcorp
Classification: Uncertain significance. Last evaluated: 2022-09-01. Review status: criteria provided, single submitter. Criteria: Invitae Variant Classification Sherloc (09022015). Collection method: clinical testing. Allele origin: germline.
Comment: This sequence change falls in intron 21 of the OCA2 gene. It does not directly change the encoded amino acid sequence of the OCA2 protein. This variant is present in population databases (rs368772032, gnomAD 0.02%). This variant has been observed in individual(s) with oculocutaneous albinism (PMID: 27734839). ClinVar contains an entry for this variant (Variation ID: 668323). Algorithms developed to predict the effect of sequence changes on RNA splicing suggest that this variant may disrupt the consensus splice site. In summary, the available evidence is currently insufficient to determine the role of this variant in disease. Therefore, it has been classified as a Variant of Uncertain Significance.

Genome-Nilou Lab
Classification: Likely benign for Tyrosinase-positive oculocutaneous albinism. Last evaluated: 2021-11-07. Review status: criteria provided, single submitter. Criteria: ACMG Guidelines, 2015. Collection method: clinical testing. Allele origin: germline. Affected: no.

GeneDx
Classification: Likely benign. Last evaluated: 2018-06-01. Review status: criteria provided, single submitter. Criteria: GeneDx Variant Classification (06012015). Collection method: clinical testing. Allele origin: germline. Affected: yes.
Comment: This variant is considered likely benign or benign based on one or more of the following criteria: it is a conservative change, it occurs at a poorly conserved position in the protein, it is predicted to be benign by multiple in silico algorithms, and/or has population frequency not consistent with disease.

Illumina Laboratory Services, Illumina
Classification: Uncertain significance for Tyrosinase-positive oculocutaneous albinism. Last evaluated: 2018-01-13. Review status: criteria provided, single submitter. Criteria: ICSL Variant Classification Criteria 13 December 2019. Collection method: clinical testing. Allele origin: germline.

Literature cited by the submitters: PubMed 34838614 (cited by Laboratory of Genetic Epidemiology, Research Centre for Medical Genetics); PubMed 41428507 (cited by Laboratory of Genetic Epidemiology, Research Centre for Medical Genetics); PubMed 27734839 (cited by Labcorp Genetics (formerly Invitae), Labcorp).